The following is an entry in ClinVar:

NM_000487.6(ARSA):c.429C>G (p.Phe143Leu)

Gene: ARSA (arylsulfatase A; minus strand). Cytogenetic location: 22q13.33.
Variant type: single nucleotide variant.
Coding change: c.429C>G on transcript NM_000487.6 (MANE Select); coding-DNA position 429, C replaced by G.
Protein change: p.Phe143Leu; replaces phenylalanine 143 with leucine.
Molecular consequence: missense variant.
Genome position (GRCh38, 1-based): chr22:50,627,202, G>C on the plus strand (C>G on the coding strand, the complement: ARSA is on the minus strand). VCF-style: chr22-50627202-G-C. GRCh37 (hg19) VCF-style: chr22-51065630-G-C.
Other names: c.429C>G, p.Phe143Leu (NM_001085425.3, NM_001085426.3, NM_001085427.3); c.171C>G, p.Phe57Leu (NM_001085428.3, NM_001362782.2); short protein forms F143L, F57L.
Identifiers: ClinVar variation 4818447 (VCV004818447.1).
Genomic context (GRCh38, chr22:50,627,202, plus strand): 5'-GCTGAGGGCCCGGGTGGTTCCTACCTGGTCGTGGGAGTACGGGATGCCTAGAAATCGATG[G>C]AAGCCCTGATGGGGGGGCAGGAAGGCCCCCTCAGGCCCCACCCCAAGGTGCCACTTGCCG-3'
Protein context (NP_000478.3, residues 133-153): EGAFLPPHQG[Phe143Leu]HRFLGIPYSH

ClinVar aggregate classification (germline): Likely pathogenic (1 of 4 stars; one submission).

Conditions:
Metachromatic leukodystrophy (MLD). Also called: ARSA DEFICIENCY; CEREBROSIDE SULFATASE DEFICIENCY; Arylsulfatase A Deficiency; METACHROMATIC LEUKOENCEPHALOPATHY; SULFATIDE LIPIDOSIS; Cerebral sclerosis diffuse metachromatic form. Identifiers: Orphanet 512, MedGen C0023522, MONDO:0018868, OMIM 250100.

Submission:

Natera, Inc.
Classification: Likely pathogenic for Metachromatic leukodystrophy. Last evaluated: 2024-06-27. Review status: criteria provided, single submitter. Criteria: Natera Variant Classification Schema (03/2026). Collection method: clinical testing. Allele origin: germline.
Comment: The c.429C>G variant in ARSA is a missense variant predicted to cause substitution of phenylalanine to leucine at amino acid 143. This variant is rare in the general population with a frequency below the threshold expected for the associated phenotype(s). Another variant at this same site results in an alteration predicted to cause a similar molecular effect has been observed in individual(s) with the associated phenotype. Computational prediction algorithms indicate this variant is likely to affect gene or protein function. Given the available evidence, this variant is classified as Likely Pathogenic.